The following is an entry in ClinVar:

NM_032043.3(BRIP1):c.211C>T (p.Pro71Ser)

Gene: BRIP1 (BRCA1 interacting DNA helicase 1; minus strand). Cytogenetic location: 17q23.2.
Variant type: single nucleotide variant.
Coding change: c.211C>T on transcript NM_032043.3 (MANE Select); coding-DNA position 211, C replaced by T.
Protein change: p.Pro71Ser; replaces proline 71 with serine.
Molecular consequence: missense variant.
Genome position (GRCh38, 1-based): chr17:61,857,226, G>A on the plus strand (C>T on the coding strand, the complement: BRIP1 is on the minus strand). VCF-style: chr17-61857226-G-A. GRCh37 (hg19) VCF-style: chr17-59934587-G-A.
Other names: short protein forms P71S.
Identifiers: ClinVar variation 232296 (VCV000232296.16), dbSNP rs876659680, ClinGen allele CA10580890.
Genomic context (GRCh38, chr17:61,857,226, plus strand): 5'-GGCATGCACAACAACATGACAATTGTACTTCAGCTTTTTCACTTACGCCCTCATCTGCTG[G>A]TTTCCCTAAAAATGAAAGAACATCTATTTATAATATATCTAATTAAATAAACATCAATCA-3'
Protein context (NP_114432.2, residues 61-81): LAWQQSLSGK[Pro71Ser]ADEGVSEKAE

ClinVar aggregate classification (germline): Conflicting classifications of pathogenicity. Review status: criteria provided, conflicting classifications (1 of 4 stars). 2 submissions from 2 submitters: Uncertain significance (1); Likely benign (1). Last evaluated 2025-12-22.

Conditions:
Hereditary cancer-predisposing syndrome. Also called: Hereditary Cancer Syndrome; Neoplastic Syndromes, Hereditary; Tumor predisposition; Hereditary neoplastic syndrome. Identifiers: Orphanet 140162, MedGen C0027672, MeSH D009386, MONDO:0015356.
Fanconi anemia complementation group J. Also called: BRIP1-Related Fanconi Anemia. Identifiers: Orphanet 84, MedGen C1836860, MONDO:0012187, OMIM 609054.
Familial cancer of breast. Also called: Hereditary breast cancer; hereditary breast carcinoma; BREAST CANCER, FAMILIAL. Identifiers: Orphanet 227535, MedGen C0346153, MONDO:0016419, OMIM 114480. Disease mechanism: loss of function.

Allele frequency attached by ClinVar (database versions not stated): gnomAD exomes below 0.00001.

Submissions (2):

Labcorp Genetics (formerly Invitae), Labcorp
Classification: Uncertain significance for Familial cancer of breast; Fanconi anemia complementation group J. Last evaluated: 2025-12-22. Review status: criteria provided, single submitter. Criteria: Invitae Variant Classification Sherloc (09022015). Collection method: clinical testing. Allele origin: germline.
Comment: This sequence change replaces proline, which is neutral and non-polar, with serine, which is neutral and polar, at codon 71 of the BRIP1 protein (p.Pro71Ser). This variant is present in population databases (no rsID available, gnomAD 0.003%). This variant has not been reported in the literature in individuals affected with BRIP1-related conditions. ClinVar contains an entry for this variant (Variation ID: 232296). Invitae Evidence Modeling of protein sequence and biophysical properties (such as structural, functional, and spatial information, amino acid conservation, physicochemical variation, residue mobility, and thermodynamic stability) indicates that this missense variant is not expected to disrupt BRIP1 protein function with a negative predictive value of 95%. In summary, the available evidence is currently insufficient to determine the role of this variant in disease. Therefore, it has been classified as a Variant of Uncertain Significance.

Ambry Genetics
Classification: Likely benign for Hereditary cancer-predisposing syndrome. Last evaluated: 2025-08-14. Review status: criteria provided, single submitter. Criteria: Ambry Variant Classification Scheme 2023. Collection method: clinical testing. Allele origin: germline.